The following is an entry in ClinVar:

ClinVar aggregate classification (germline): Likely benign. Review status: criteria provided, multiple submitters, no conflicts (2 of 4 stars). 4 submissions from 4 submitters: Likely benign (3). 1 of the submissions does not count toward it. Last evaluated 2024-10-25.

Conditions:
PIEZO1-related disorder. Also called: PIEZO1-related condition; PIEZO1-Related Disorders.

Allele frequency attached by ClinVar (database versions not stated): ExAC 0.00020.
gnomAD v4.1: 166 of 1,549,242 alleles (0.011%); highest among the groups gnomAD compares: Non-Finnish European, 0.013%; no homozygotes.

Submissions (4):

Blueprint Genetics
Classification: Likely benign. Last evaluated: 2024-10-25. Review status: criteria provided, single submitter. Criteria: ACMG Guidelines, 2015. Collection method: clinical testing. Allele origin: germline.

Labcorp Genetics (formerly Invitae), Labcorp
Classification: Likely benign. Last evaluated: 2024-10-18. Review status: criteria provided, single submitter. Criteria: Invitae Variant Classification Sherloc (09022015). Collection method: clinical testing. Allele origin: germline.

CeGaT Center for Human Genetics Tuebingen
Classification: Likely benign. Last evaluated: 2022-03-01. Review status: criteria provided, single submitter. Criteria: CeGaT Center For Human Genetics Tuebingen Variant Classification Criteria Version 2. Collection method: clinical testing. Allele origin: germline. Affected: yes. Observed: 1 variant allele.
Comment: PIEZO1: BP4, BP7

PreventionGenetics, part of Exact Sciences
Classification: Likely benign for PIEZO1-related condition. Last evaluated: 2019-08-09. Review status: no assertion criteria provided. Collection method: clinical testing. Allele origin: germline. Not counted in ClinVar's aggregate classification.
Comment: This variant is classified as likely benign based on ACMG/AMP sequence variant interpretation guidelines (Richards et al. 2015 PMID: 25741868, with internal and published modifications).

NM_001142864.4(PIEZO1):c.3798C>T (p.Pro1266=)

Gene: PIEZO1 (piezo type mechanosensitive ion channel component 1 (Er blood group); minus strand). Cytogenetic location: 16q24.3.
Variant type: single nucleotide variant.
Coding change: c.3798C>T on transcript NM_001142864.4 (MANE Select); coding-DNA position 3798, C replaced by T.
Protein change: p.Pro1266=; no amino-acid change (proline 1266 retained).
Molecular consequence: synonymous variant.
Genome position (GRCh38, 1-based): chr16:88,726,454, G>A on the plus strand (C>T on the coding strand, the complement: PIEZO1 is on the minus strand). VCF-style: chr16-88726454-G-A. GRCh37 (hg19) VCF-style: chr16-88792862-G-A.
Other names: c.2340C>T, p.Pro780= (NM_014745.1); c.3798C>T (NM_001142864.3).
Identifiers: ClinVar variation 2646998 (VCV002646998.28), dbSNP rs752255008, ClinGen allele CA8232335.